The following is an entry in ClinVar:

NM_001190737.2(NFIB):c.1306C>A (p.Pro436Thr)

Gene: NFIB (nuclear factor I B; minus strand). Cytogenetic location: 9p23.
Variant type: single nucleotide variant.
Coding change: c.1306C>A on transcript NM_001190737.2 (MANE Select); coding-DNA position 1306, C replaced by A.
Protein change: p.Pro436Thr; replaces proline 436 with threonine.
Molecular consequence: missense variant. On other transcripts: intron variant (18).
Genome position (GRCh38, 1-based): chr9:14,116,286, G>T on the plus strand (C>A on the coding strand, the complement: NFIB is on the minus strand). VCF-style: chr9-14116286-G-T. GRCh37 (hg19) VCF-style: chr9-14116285-G-T.
Other names: c.550C>A, p.Pro184Thr (NM_001282787.2); c.1372C>A, p.Pro458Thr (NM_001369458.1, NM_001369459.1); c.1294C>A, p.Pro432Thr (NM_001369460.1, NM_001369463.1); c.1306C>A, p.Pro436Thr (NM_001369461.1); c.1279C>A, p.Pro427Thr (NM_001369465.1); c.1069C>A, p.Pro357Thr (NM_001369470.1); c.1245+4154C>A (NM_005596.3, NM_001369464.1); c.1311+4154C>A (NM_001369468.1, NM_001369462.1); and 11 more; short protein forms P184T, P357T, P427T, P432T, P436T, P458T.
Identifiers: ClinVar variation 3254580 (VCV003254580.1), dbSNP rs1301800978.

ClinVar aggregate classification (germline): Uncertain significance (1 of 4 stars; one submission).

Conditions:
Macrocephaly, acquired, with impaired intellectual development. Also called: MACROCEPHALY, ACQUIRED, WITH MENTAL RETARDATION. Identifiers: MedGen C4748993, MONDO:0032658, OMIM 618286.

Submission:

Victorian Clinical Genetics Services, Murdoch Childrens Research Institute
Classification: Uncertain significance for Macrocephaly, acquired, with impaired intellectual development. Last evaluated: 2023-07-17. Review status: criteria provided, single submitter. Criteria: ACMG Guidelines, 2015. Collection method: clinical testing. Allele origin: germline. Inheritance: Autosomal dominant inheritance. Affected: yes.
Comment: Based on the classification scheme VCGS_Germline_v1.3.4, this variant is classified as VUS-3B. Following criteria are met: 0102 - Loss of function is a known mechanism of disease in this gene and is associated with macrocephaly, acquired, with impaired intellectual development (MIM#618286). (I) 0107 - This gene is associated with autosomal dominant disease. (I) 0200 - Variant is predicted to result in a missense amino acid change from proline to threonine. (I) 0219 - This variant is non-coding in an alternative transcript. This variant is coding in the ClinVar predominant and MANE select transcript. However, it is non-coding in the majority of annotated transcripts, which includes one highly expressed transcript (GTex, UCSC). (I) 0251 - This variant is heterozygous. (I) 0301 - Variant is absent from gnomAD (both v2 and v3). (SP) 0309 - An alternative amino acid change at the same position has been observed in gnomAD (v2, v3) (2 heterozygotes, 0 homozygotes). (I) 0502 - Missense variant with conflicting in silico predictions and uninformative conservation. (I) 0600 - Variant is located in the annotated CTF/NF-I family transcription modulation region (NCBI conserved domains). (I) 0705 - No comparable missense variants have previous evidence for pathogenicity. (I) 0807 - This variant has no previous evidence of pathogenicity. (I) 0905 - No published segregation evidence has been identified for this variant. (I) 1007 - No published functional evidence has been identified for this variant. (I) 1208 - Inheritance information for this variant is not currently available in this individual. (I) Legend: (SP) - Supporting pathogenic, (I) - Information, (SB) - Supporting benign